The following is an entry in ClinVar:

ClinVar aggregate classification (germline): Likely benign. Review status: criteria provided, multiple submitters, no conflicts (2 of 4 stars). 4 submissions from 4 submitters: Likely benign (4). Last evaluated 2026-02-25.

Conditions:
SPTLC2-related disorder. Also called: SPTLC2-related condition.
Inborn genetic diseases. Identifiers: MedGen C0950123, MeSH D030342.
Neuropathy, hereditary sensory and autonomic, type 1C. Also called: HSAN IC; HSN IC. Identifiers: Orphanet 36386, MedGen C3150896, MONDO:0013337, OMIM 613640.

Allele frequency attached by ClinVar (database versions not stated): gnomAD 0.00001; ESP Exome Variant Server 0.00008.
gnomAD v4.1: 39 of 1,614,082 alleles (0.0024%); highest among the groups gnomAD compares: Non-Finnish European, 0.0031%; no homozygotes.

Submissions (4):

PreventionGenetics, part of Exact Sciences
Classification: Likely benign for SPTLC2-related condition. Last evaluated: 2026-02-25. Review status: criteria provided, single submitter. Criteria: ACMG Guidelines, 2015. Collection method: clinical testing. Allele origin: germline.
Comment: This variant is classified as likely benign based on ACMG/AMP sequence variant interpretation guidelines (Richards et al. 2015 PMID: 25741868, with internal and published modifications).

Labcorp Genetics (formerly Invitae), Labcorp
Classification: Likely benign for Neuropathy, hereditary sensory and autonomic, type 1C. Last evaluated: 2024-03-03. Review status: criteria provided, single submitter. Criteria: Invitae Variant Classification Sherloc (09022015). Collection method: clinical testing. Allele origin: germline.

Ambry Genetics
Classification: Likely benign for Inborn genetic diseases. Last evaluated: 2019-07-11. Review status: criteria provided, single submitter. Criteria: Ambry Variant Classification Scheme 2023. Collection method: clinical testing. Allele origin: germline.

GeneDx
Classification: Likely benign. Last evaluated: 2016-02-23. Review status: criteria provided, single submitter. Criteria: GeneDx Variant Classification (06012015). Collection method: clinical testing. Allele origin: germline. Affected: yes.
Comment: This variant is considered likely benign or benign based on one or more of the following criteria: it is a conservative change, it occurs at a poorly conserved position in the protein, it is predicted to be benign by multiple in silico algorithms, and/or has population frequency not consistent with disease.

NM_004863.4(SPTLC2):c.619C>A (p.Arg207=)

Gene: SPTLC2 (serine palmitoyltransferase long chain base subunit 2; minus strand). Cytogenetic location: 14q24.3.
Variant type: single nucleotide variant.
Coding change: c.619C>A on transcript NM_004863.4 (MANE Select); coding-DNA position 619, C replaced by A.
Protein change: p.Arg207=; no amino-acid change (arginine 207 retained).
Molecular consequence: synonymous variant.
Genome position (GRCh38, 1-based): chr14:77,576,779, G>T on the plus strand (C>A on the coding strand, the complement: SPTLC2 is on the minus strand). VCF-style: chr14-77576779-G-T. GRCh37 (hg19) VCF-style: chr14-78043122-G-T.
Identifiers: ClinVar variation 379728 (VCV000379728.11), dbSNP rs146066422, ClinGen allele CA16607716.